The following is an entry in ClinVar:

NM_144670.6(A2ML1):c.2234+10G>A

Gene: A2ML1 (alpha-2-macroglobulin like 1; plus strand). Cytogenetic location: 12p13.31.
Variant type: single nucleotide variant.
Coding change: c.2234+10G>A on transcript NM_144670.6 (MANE Select); 10 bases into the intron after coding-DNA position 2234, G replaced by A.
Molecular consequence: intron variant.
Genome position (GRCh38, 1-based): chr12:8,850,284, G>A. VCF-style: chr12-8850284-G-A. GRCh37 (hg19) VCF-style: chr12-9002880-G-A.
Other names: c.761+10G>A (NM_001282424.3).
Identifiers: ClinVar variation 928819 (VCV000928819.7), dbSNP rs753021676, ClinGen allele CA6435944.

ClinVar aggregate classification (germline): Benign/Likely benign. Review status: criteria provided, multiple submitters, no conflicts (2 of 4 stars). 3 submissions from 3 submitters: Benign (2); Likely benign (1). Last evaluated 2024-10-08.

Conditions:
A2ML1-related disorder. Also called: A2ML1-related condition.

Allele frequency attached by ClinVar (database versions not stated): gnomAD 0.00009; TOPMed 0.00009; 1000 Genomes Project 30x 0.00016; 1000 Genomes Project 0.00020; ExAC 0.00021; gnomAD exomes 0.00021.
gnomAD v4.1: 72 of 1,599,836 alleles (0.0045%); highest among the groups gnomAD compares: East Asian, 0.14%; no homozygotes.

Submissions (3):

PreventionGenetics, part of Exact Sciences
Classification: Likely benign for A2ML1-related condition. Last evaluated: 2024-10-08. Review status: criteria provided, single submitter. Criteria: ACMG Guidelines, 2015. Collection method: clinical testing. Allele origin: germline.
Comment: This variant is classified as likely benign based on ACMG/AMP sequence variant interpretation guidelines (Richards et al. 2015 PMID: 25741868, with internal and published modifications).

Labcorp Genetics (formerly Invitae), Labcorp
Classification: Benign. Last evaluated: 2023-11-14. Review status: criteria provided, single submitter. Criteria: Invitae Variant Classification Sherloc (09022015). Collection method: clinical testing. Allele origin: germline.

Women's Health and Genetics/Laboratory Corporation of America, LabCorp
Classification: Benign. Last evaluated: 2019-11-18. Review status: criteria provided, single submitter. Criteria: LabCorp Variant Classification Summary - May 2015. Collection method: clinical testing. Allele origin: germline.
Comment: Variant summary: A2ML1 c.2234+10G>A alters a non-conserved nucleotide located close to a canonical splice site and therefore could affect mRNA splicing, leading to a significantly altered protein sequence. 5/5 computational tools predict no significant impact on normal splicing. However, these predictions have yet to be confirmed by functional studies. The variant allele was found at a frequency of 0.00021 in 238362 control chromosomes, predominantly at a frequency of 0.0027 within the East Asian subpopulation in the gnomAD database, including 1 homozygotes. The observed variant frequency within East Asian control individuals in the gnomAD database is approximately 675 fold of the estimated maximal expected allele frequency for a pathogenic variant in A2ML1 causing Noonan Syndrome phenotype (4e-06), strongly suggesting that the variant is a benign polymorphism found primarily in populations of East Asian origin. To our knowledge, no occurrence of c.2234+10G>A in individuals affected with Noonan Syndrome and no experimental evidence demonstrating its impact on protein function have been reported. No clinical diagnostic laboratories have submitted clinical-significance assessments for this variant to ClinVar after 2014. Based on the evidence outlined above, the variant was classified as benign.